The following is an entry in ClinVar:

ClinVar aggregate classification (germline): Pathogenic (1 of 4 stars; one submission).

Submission:

Labcorp Genetics (formerly Invitae), Labcorp
Classification: Pathogenic. Last evaluated: 2023-04-26. Review status: criteria provided, single submitter. Criteria: Invitae Variant Classification Sherloc (09022015). Collection method: clinical testing. Allele origin: germline.
Comment: This sequence change creates a premature translational stop signal (p.Leu1140Argfs*10) in the TTC37 gene. It is expected to result in an absent or disrupted protein product. Loss-of-function variants in TTC37 are known to be pathogenic (PMID: 20176027, 21120949). This variant is not present in population databases (gnomAD no frequency). This variant has not been reported in the literature in individuals affected with TTC37-related conditions. For these reasons, this variant has been classified as Pathogenic.

Literature cited by the submitters: PubMed 20176027; PubMed 21120949.

NM_014639.4(SKIC3):c.3419del (p.Leu1140fs)

Gene: SKIC3 (SKI3 subunit of superkiller complex; minus strand). Cytogenetic location: 5q15.
Variant type: Deletion.
Coding change: c.3419del on transcript NM_014639.4 (MANE Select); coding-DNA position 3419, one base deleted (T; older notation c.3419delT).
Protein change: p.Leu1140fs; shifts the reading frame from leucine 1140.
Molecular consequence: frameshift variant.
Genome position (GRCh38, 1-based): chr5:95,498,514, A deleted on the plus strand (T on the coding strand, the reverse complement: SKIC3 is on the minus strand). VCF-style (leftmost placement, unchanged base first): chr5-95498513-CA-C. GRCh37 (hg19) VCF-style: chr5-94834217-CA-C.
Other names: short protein forms L1140fs.
Identifiers: ClinVar variation 2859687 (VCV002859687.3), dbSNP rs2530720118, ClinGen allele CA2739274866.